The following is an entry in ClinVar:

ClinVar aggregate classification (germline): Likely benign. Review status: criteria provided, multiple submitters, no conflicts (2 of 4 stars). 3 submissions from 3 submitters: Likely benign (3). Last evaluated 2026-07-27.

Conditions:
Inborn genetic diseases. Identifiers: MedGen C0950123, MeSH D030342.
Dyskeratosis congenita, autosomal recessive 5 (DKCB5). Identifiers: MedGen C3554656, MONDO:0014076, OMIM 615190.
Pulmonary fibrosis and/or bone marrow failure, Telomere-related, 3. Also called: PULMONARY FIBROSIS AND/OR BONE MARROW FAILURE SYNDROME, TELOMERE-RELATED, 3. Identifiers: Orphanet 2032, MedGen C4225346, MONDO:0014613, OMIM 616373.

gnomAD v4.1: 3 of 1,548,534 alleles (0.00019%); highest among the groups gnomAD compares: South Asian, 0.0025%; 1 homozygote.

Submissions (3):

Ambry Genetics
Classification: Likely benign for Inborn genetic diseases. Last evaluated: 2026-07-27. Review status: criteria provided, single submitter. Criteria: Ambry Variant Classification Scheme 2023. Collection method: clinical testing. Allele origin: germline.

Labcorp Genetics (formerly Invitae), Labcorp
Classification: Likely benign for Dyskeratosis congenita, autosomal recessive 5; Pulmonary fibrosis and/or bone marrow failure, Telomere-related, 3. Last evaluated: 2024-07-12. Review status: criteria provided, single submitter. Criteria: Invitae Variant Classification Sherloc (09022015). Collection method: clinical testing. Allele origin: germline.

CeGaT Center for Human Genetics Tuebingen
Classification: Likely benign. Last evaluated: 2023-10-01. Review status: criteria provided, single submitter. Criteria: CeGaT Center For Human Genetics Tuebingen Variant Classification Criteria Version 2. Collection method: clinical testing. Allele origin: germline. Affected: yes. Observed: 1 variant allele.
Comment: RTEL1: BP4, BP7

NM_001283009.2(RTEL1):c.3546G>C (p.Ser1182=)

Genes: RTEL1 (regulator of telomere elongation helicase 1; plus strand), RTEL1-TNFRSF6B (RTEL1-TNFRSF6B readthrough (NMD candidate); plus strand). Cytogenetic location: 20q13.33.
Variant type: single nucleotide variant.
Coding change: c.3546G>C on transcript NM_001283009.2 (MANE Select); coding-DNA position 3546, G replaced by C.
Protein change: p.Ser1182=; no amino-acid change (serine 1182 retained).
Molecular consequence: synonymous variant. On other transcripts: non-coding transcript variant (1).
Genome position (GRCh38, 1-based): chr20:63,695,374, G>C. VCF-style: chr20-63695374-G-C. GRCh37 (hg19) VCF-style: chr20-62326727-G-C.
Other names: c.2877G>C, p.Ser959= (NM_001283010.1); c.3546G>C, p.Ser1182= (NM_016434.4); c.3618G>C, p.Ser1206= (NM_032957.5).
Identifiers: ClinVar variation 1585353 (VCV001585353.32), dbSNP rs774018403, ClinGen allele CA511661770.